The following is an entry in ClinVar:

NM_016169.4(SUFU):c.412G>T (p.Ala138Ser)

Gene: SUFU (SUFU negative regulator of hedgehog signaling; plus strand). Cytogenetic location: 10q24.32.
Variant type: single nucleotide variant.
Coding change: c.412G>T on transcript NM_016169.4 (MANE Select); coding-DNA position 412, G replaced by T.
Protein change: p.Ala138Ser; replaces alanine 138 with serine.
Molecular consequence: missense variant.
Genome position (GRCh38, 1-based): chr10:102,550,064, G>T. VCF-style: chr10-102550064-G-T. GRCh37 (hg19) VCF-style: chr10-104309821-G-T.
Other names: c.412G>T, p.Ala138Ser (NM_001178133.2); short protein forms A138S.
Identifiers: ClinVar variation 3752823 (VCV003752823.3).

ClinVar aggregate classification (germline): Uncertain significance. Review status: criteria provided, multiple submitters, no conflicts (2 of 4 stars). 2 submissions from 2 submitters: Uncertain significance (2). Last evaluated 2024-12-12.

Conditions:
Hereditary cancer-predisposing syndrome. Also called: Neoplastic Syndromes, Hereditary; Tumor predisposition; Hereditary Cancer Syndrome; Hereditary neoplastic syndrome. Identifiers: Orphanet 140162, MedGen C0027672, MeSH D009386, MONDO:0015356.
Gorlin syndrome. Also called: Nevoid Basal Cell Carcinoma Syndrome; Basal cell nevus syndrome. Identifiers: Orphanet 377, MedGen C0004779, MONDO:0007187.
Medulloblastoma (MDB). Also called: Medulloblastoma, somatic; MEDULLOBLASTOMA PREDISPOSITION SYNDROME. Identifiers: Orphanet 616, MedGen C0025149, MeSH D008527, MONDO:0007959, OMIM 155255, HP:0002885.

gnomAD v4.1: 3 of 1,614,172 alleles (0.00019%); highest among the groups gnomAD compares: South Asian, 0.0033%; no homozygotes.

Submissions (2):

Ambry Genetics
Classification: Uncertain significance for Hereditary cancer-predisposing syndrome. Last evaluated: 2024-12-12. Review status: criteria provided, single submitter. Criteria: Ambry Variant Classification Scheme 2023. Collection method: clinical testing. Allele origin: germline.
Comment: The p.A138S variant (also known as c.412G>T), located in coding exon 3 of the SUFU gene, results from a G to T substitution at nucleotide position 412. The alanine at codon 138 is replaced by serine, an amino acid with similar properties. This amino acid position is highly conserved in available vertebrate species. In addition, the in silico prediction for this alteration is inconclusive. Based on the available evidence, the clinical significance of this variant remains unclear.

Labcorp Genetics (formerly Invitae), Labcorp
Classification: Uncertain significance for Gorlin syndrome; Medulloblastoma. Last evaluated: 2024-04-29. Review status: criteria provided, single submitter. Criteria: Invitae Variant Classification Sherloc (09022015). Collection method: clinical testing. Allele origin: germline.
Comment: This sequence change replaces alanine, which is neutral and non-polar, with serine, which is neutral and polar, at codon 138 of the SUFU protein (p.Ala138Ser). This variant is present in population databases (rs34406289, gnomAD 0.007%). This variant has not been reported in the literature in individuals affected with SUFU-related conditions. Advanced modeling of protein sequence and biophysical properties (such as structural, functional, and spatial information, amino acid conservation, physicochemical variation, residue mobility, and thermodynamic stability) performed at Invitae indicates that this missense variant is expected to disrupt SUFU protein function with a positive predictive value of 80%. In summary, the available evidence is currently insufficient to determine the role of this variant in disease. Therefore, it has been classified as a Variant of Uncertain Significance.